The following is an entry in ClinVar:

NM_206937.2(LIG4):c.2465C>G (p.Ser822Trp)

Gene: LIG4 (DNA ligase 4; minus strand). Cytogenetic location: 13q33.3.
Variant type: single nucleotide variant.
Coding change: c.2465C>G on transcript NM_206937.2 (MANE Select); coding-DNA position 2465, C replaced by G.
Protein change: p.Ser822Trp; replaces serine 822 with tryptophan.
Molecular consequence: missense variant.
Genome position (GRCh38, 1-based): chr13:108,208,804, G>C on the plus strand (C>G on the coding strand, the complement: LIG4 is on the minus strand). VCF-style: chr13-108208804-G-C. GRCh37 (hg19) VCF-style: chr13-108861152-G-C.
Other names: c.2465C>G, p.Ser822Trp (NM_001098268.2, NM_001352598.2, NM_001352599.2 and 6 more transcripts); c.2264C>G, p.Ser755Trp (NM_001330595.2); c.2501C>G, p.Ser834Trp (NM_001352604.2); short protein forms S834W, S755W, S822W.
Identifiers: ClinVar variation 1926441 (VCV001926441.3), dbSNP rs141441003, ClinGen allele CA388613002.

ClinVar aggregate classification (germline): Uncertain significance (1 of 4 stars; one submission).

Conditions:
DNA ligase IV deficiency. Identifiers: Orphanet 99812, MedGen C1847827, MONDO:0011686, OMIM 606593.

gnomAD v4.1: 2 of 1,614,060 alleles (0.00012%); highest among the groups gnomAD compares: South Asian, 0.0011%; no homozygotes.

Submission:

Labcorp Genetics (formerly Invitae), Labcorp
Classification: Uncertain significance for DNA ligase IV deficiency. Last evaluated: 2022-06-22. Review status: criteria provided, single submitter. Criteria: Invitae Variant Classification Sherloc (09022015). Collection method: clinical testing. Allele origin: germline.
Comment: In summary, the available evidence is currently insufficient to determine the role of this variant in disease. Therefore, it has been classified as a Variant of Uncertain Significance. Algorithms developed to predict the effect of missense changes on protein structure and function (SIFT, PolyPhen-2, Align-GVGD) all suggest that this variant is likely to be tolerated. This variant has not been reported in the literature in individuals affected with LIG4-related conditions. This variant is not present in population databases (gnomAD no frequency). This sequence change replaces serine, which is neutral and polar, with tryptophan, which is neutral and slightly polar, at codon 822 of the LIG4 protein (p.Ser822Trp).